The following is an entry in ClinVar:

ClinVar aggregate classification (germline): Uncertain significance (1 of 4 stars; one submission).

Conditions:
Charcot-Marie-Tooth disease axonal type 2C (HMSN2C). Also called: CHARCOT-MARIE-TOOTH DISEASE, AXONAL, AUTOSOMAL DOMINANT, TYPE 2C; Charcot-Marie-Tooth Neuropathy Type 2C; Charcot-Marie-Tooth Disease Type 2, TRPV4-Related (CMT2C). Identifiers: Orphanet 99937, MedGen C1853710, MONDO:0011633, OMIM 606071.

Submission:

Labcorp Genetics (formerly Invitae), Labcorp
Classification: Uncertain significance for Charcot-Marie-Tooth disease axonal type 2C. Last evaluated: 2023-12-13. Review status: criteria provided, single submitter. Criteria: Invitae Variant Classification Sherloc (09022015). Collection method: clinical testing. Allele origin: germline.
Comment: This sequence change replaces serine, which is neutral and polar, with threonine, which is neutral and polar, at codon 824 of the TRPV4 protein (p.Ser824Thr). This variant is not present in population databases (gnomAD no frequency). This variant has not been reported in the literature in individuals affected with TRPV4-related conditions. Advanced modeling of protein sequence and biophysical properties (such as structural, functional, and spatial information, amino acid conservation, physicochemical variation, residue mobility, and thermodynamic stability) performed at Invitae indicates that this missense variant is not expected to disrupt TRPV4 protein function with a negative predictive value of 95%. In summary, the available evidence is currently insufficient to determine the role of this variant in disease. Therefore, it has been classified as a Variant of Uncertain Significance.

NM_021625.5(TRPV4):c.2470T>A (p.Ser824Thr)

Gene: TRPV4 (transient receptor potential cation channel subfamily V member 4; minus strand). Cytogenetic location: 12q24.11.
Variant type: single nucleotide variant.
Coding change: c.2470T>A on transcript NM_021625.5 (MANE Select); coding-DNA position 2470, T replaced by A.
Protein change: p.Ser824Thr; replaces serine 824 with threonine.
Molecular consequence: missense variant.
Genome position (GRCh38, 1-based): chr12:109,783,767, A>T on the plus strand (T>A on the coding strand, the complement: TRPV4 is on the minus strand). VCF-style: chr12-109783767-A-T. GRCh37 (hg19) VCF-style: chr12-110221572-A-T.
Other names: c.2329T>A, p.Ser777Thr (NM_001177428.2); c.2368T>A, p.Ser790Thr (NM_001177431.2); c.2149T>A, p.Ser717Thr (NM_001177433.2); c.2290T>A, p.Ser764Thr (NM_147204.3); short protein forms S764T, S790T, S824T, S717T, S777T.
Identifiers: ClinVar variation 2702952 (VCV002702952.3), dbSNP rs2548706831, ClinGen allele CA386648644.